The following is an entry in ClinVar:

NM_000426.4(LAMA2):c.6179del (p.Gln2060fs)

Genes: LAMA2 (laminin subunit alpha 2; plus strand), LOC123864065 (Sharpr-MPRA regulatory region 661; plus strand). Cytogenetic location: 6q22.33.
Variant type: Deletion.
Coding change: c.6179del on transcript NM_000426.4 (MANE Select); coding-DNA position 6179, one base deleted (A; older notation c.6179delA).
Protein change: p.Gln2060fs; shifts the reading frame from glutamine 2060.
Molecular consequence: frameshift variant.
Genome position (GRCh38, 1-based): chr6:129,440,909, A deleted. VCF-style (leftmost placement, unchanged base first): chr6-129440908-CA-C. GRCh37 (hg19) VCF-style: chr6-129762053-CA-C.
Other names: c.6179del, p.Gln2060fs (NM_001079823.2); short protein forms Q2060fs.
Identifiers: ClinVar variation 3632045 (VCV003632045.2).
Genomic context (GRCh38, chr6:129,440,908, plus strand): 5'-AAAGCCAGACAAGCCAACGACACAGCTAAAGATGTACTGGCACAGATTACAGAGCTCCAC[CA>C]GAACCTCGATGGCCTGAAGAAGAATTACAATAAACTAGCAGACAGCGTCGCCAAAACGAA-3'

ClinVar aggregate classification (germline): Pathogenic (1 of 4 stars; one submission).

Conditions:
LAMA2-related muscular dystrophy (LAMA2-RD). Also called: Laminin alpha 2-related dystrophy. Identifiers: MedGen C5679788, MONDO:0100228.

Submission:

Labcorp Genetics (formerly Invitae), Labcorp
Classification: Pathogenic for LAMA2-related muscular dystrophy. Last evaluated: 2024-01-31. Review status: criteria provided, single submitter. Criteria: Invitae Variant Classification Sherloc (09022015). Collection method: clinical testing. Allele origin: germline.
Comment: This sequence change creates a premature translational stop signal (p.Gln2060Argfs*6) in the LAMA2 gene. It is expected to result in an absent or disrupted protein product. Loss-of-function variants in LAMA2 are known to be pathogenic (PMID: 18700894, 32904964). This variant is not present in population databases (gnomAD no frequency). This variant has not been reported in the literature in individuals affected with LAMA2-related conditions. For these reasons, this variant has been classified as Pathogenic.

Literature cited by the submitters: PubMed 18700894; PubMed 32904964.